The following is an entry in ClinVar:

NM_014159.7(SETD2):c.2341_2348del (p.Thr781fs)

Gene: SETD2 (SET domain containing 2, histone lysine methyltransferase; minus strand). Cytogenetic location: 3p21.31.
Variant type: Deletion.
Coding change: c.2341_2348del on transcript NM_014159.7 (MANE Select); coding-DNA positions 2341 to 2348, 8 bases deleted (ACGAGGGT; older notation c.2341_2348delACGAGGGT).
Protein change: p.Thr781fs; shifts the reading frame from threonine 781.
Molecular consequence: frameshift variant. On other transcripts: non-coding transcript variant (1).
Genome position (GRCh38, 1-based): chr3:47,122,288-47,122,295, ACCCTCGT deleted on the plus strand (ACGAGGGT on the coding strand, the reverse complement: SETD2 is on the minus strand); deleting any 8 consecutive bases within chr3:47,122,288-47,122,296 gives the same sequence; the c. name uses the placement nearest the transcript's 3' end. VCF-style (leftmost placement, unchanged base first): chr3-47122287-AACCCTCGT-A. GRCh37 (hg19) VCF-style: chr3-47163777-AACCCTCGT-A.
Other names: c.2209_2216del, p.Thr737fs (NM_001349370.3); short protein forms T737fs, T781fs.
Identifiers: ClinVar variation 4823288 (VCV004823288.4).

ClinVar aggregate classification (germline): Pathogenic (1 of 4 stars; one submission).

Submission:

CeGaT Center for Human Genetics Tuebingen
Classification: Pathogenic. Last evaluated: 2026-02-01. Review status: criteria provided, single submitter. Criteria: CeGaT Center For Human Genetics Tuebingen Variant Classification Criteria Version 2. Collection method: clinical testing. Allele origin: germline. Affected: yes. Observed: 1 variant allele.
Comment: SETD2: PVS1, PM2, PS2:Moderate